The following is an entry in ClinVar:

ClinVar aggregate classification (germline): Pathogenic (1 of 4 stars; one submission).

Conditions:
Hereditary cancer-predisposing syndrome. Also called: Neoplastic Syndromes, Hereditary; Tumor predisposition; Hereditary Cancer Syndrome; Hereditary neoplastic syndrome. Identifiers: Orphanet 140162, MedGen C0027672, MeSH D009386, MONDO:0015356.

Submission:

Ambry Genetics
Classification: Pathogenic for Hereditary cancer-predisposing syndrome. Last evaluated: 2025-12-22. Review status: criteria provided, single submitter. Criteria: Ambry Variant Classification Scheme 2023. Collection method: clinical testing. Allele origin: germline.
Comment: The c.2206_2207delGAinsTGC pathogenic mutation, located in coding exon 4 of the MSH6 gene, results from the deletion of two nucleotides and insertion of 3 nucleotides causing a translational frameshift with a predicted alternate stop codon (p.D736Cfs*20). This alteration is expected to result in loss of function by premature protein truncation or nonsense-mediated mRNA decay. As such, this alteration is interpreted as a disease-causing mutation.

NM_000179.3(MSH6):c.2206_2207delinsTGC (p.Asp736fs)

Gene: MSH6 (mutS homolog 6; plus strand). Cytogenetic location: 2p16.3.
Variant type: Indel.
Coding change: c.2206_2207delinsTGC on transcript NM_000179.3 (MANE Select); coding-DNA positions 2206 to 2207, GA replaced by TGC.
Protein change: p.Asp736fs; shifts the reading frame from aspartic acid 736.
Molecular consequence: frameshift variant. On other transcripts: intron variant (2), non-coding transcript variant (5).
Genome position (GRCh38, 1-based): chr2:47,800,189-47,800,190, GA replaced by TGC. VCF-style: chr2-47800189-GA-TGC. GRCh37 (hg19) VCF-style: chr2-48027328-GA-TGC.
Other names: c.2128_2129delinsTGC, p.Asp710fs (NM_001406804.1); c.1909_1910delinsTGC, p.Asp637fs (NM_001406805.1, NM_001406818.1, NM_001406819.1 and 10 more transcripts); c.1681_1682delinsTGC, p.Asp561fs (NM_001406806.1, NM_001406807.1, NM_001406799.1); c.2206_2207delinsTGC, p.Asp736fs (NM_001406808.1, NM_001406809.1, NM_001406796.1 and 3 more transcripts); c.1300_1301delinsTGC, p.Asp434fs (NM_001406811.1, NM_001406812.1, NM_001406814.1 and 6 more transcripts); c.2212_2213delinsTGC, p.Asp738fs (NM_001406813.1); c.1816_1817delinsTGC, p.Asp606fs (NM_001281492.2); c.2038_2039delinsTGC, p.Asp680fs (NM_001406826.1); and 3 more; short protein forms D434fs, D561fs, D738fs, D637fs, D768fs, D710fs, D736fs, D606fs.
Identifiers: ClinVar variation 4843684 (VCV004843684.1).